The following is an entry in ClinVar:

ClinVar aggregate classification (germline): Uncertain significance. Review status: criteria provided, multiple submitters, no conflicts (2 of 4 stars). 4 submissions from 4 submitters: Uncertain significance (4). Last evaluated 2024-04-01.

Conditions:
Rienhoff syndrome. Also called: LOEYS-DIETZ SYNDROME 5. Identifiers: MedGen C3810012, MONDO:0014262, OMIM 615582.
TGFB3-related disorder. Also called: TGFB3-related condition.
Familial thoracic aortic aneurysm and aortic dissection (TAAD). Also called: Thoracic aortic aneurysms and dissections. Identifiers: Orphanet 91387, MedGen C4707243, MONDO:0019625.

Allele frequency attached by ClinVar (database versions not stated): ExAC 0.00001; gnomAD exomes 0.00001 and 0.00002; gnomAD 0.00003; TOPMed 0.00003.
gnomAD v4.1: 15 of 1,613,950 alleles (0.00093%); highest among the groups gnomAD compares: East Asian, 0.0089%; no homozygotes.

Submissions (4):

Ambry Genetics
Classification: Uncertain significance for Familial thoracic aortic aneurysm and aortic dissection. Last evaluated: 2024-04-01. Review status: criteria provided, single submitter. Criteria: Ambry Variant Classification Scheme 2023. Collection method: clinical testing. Allele origin: germline.
Comment: The p.V379M variant (also known as c.1135G>A), located in coding exon 7 of the TGFB3 gene, results from a G to A substitution at nucleotide position 1135. The valine at codon 379 is replaced by methionine, an amino acid with highly similar properties. This amino acid position is highly conserved in available vertebrate species. In addition, this alteration is predicted to be deleterious by in silico analysis. Based on the available evidence, the clinical significance of this alteration remains unclear.

PreventionGenetics, part of Exact Sciences
Classification: Uncertain significance for TGFB3-related condition. Last evaluated: 2022-12-20. Review status: criteria provided, single submitter. Criteria: ACMG Guidelines, 2015. Collection method: clinical testing. Allele origin: germline.
Comment: The TGFB3 c.1135G>A variant is predicted to result in the amino acid substitution p.Val379Met. To our knowledge, this variant has not been reported in the literature. This variant is reported in 0.015% of alleles in individuals of East Asian descent in gnomAD. At this time, the clinical significance of this variant is uncertain due to the absence of conclusive functional and genetic evidence.

Labcorp Genetics (formerly Invitae), Labcorp
Classification: Uncertain significance for Rienhoff syndrome. Last evaluated: 2021-08-27. Review status: criteria provided, single submitter. Criteria: Invitae Variant Classification Sherloc (09022015). Collection method: clinical testing. Allele origin: germline.
Comment: This sequence change replaces valine with methionine at codon 379 of the TGFB3 protein (p.Val379Met). The valine residue is highly conserved and there is a small physicochemical difference between valine and methionine. This variant is present in population databases (rs757031677, ExAC 0.01%). This variant has not been reported in the literature in individuals affected with TGFB3-related conditions. Algorithms developed to predict the effect of missense changes on protein structure and function are either unavailable or do not agree on the potential impact of this missense change (SIFT: "Deleterious"; PolyPhen-2: "Not Available"; Align-GVGD: "Class C0"). In summary, the available evidence is currently insufficient to determine the role of this variant in disease. Therefore, it has been classified as a Variant of Uncertain Significance.

AiLife Diagnostics
Classification: Uncertain significance. Last evaluated: 2021-08-18. Review status: criteria provided, single submitter. Criteria: ACMG Guidelines, 2015. Collection method: clinical testing. Allele origin: germline. Affected: yes. Observed: 1 variant allele.

NM_003239.5(TGFB3):c.1135G>A (p.Val379Met)

Gene: TGFB3 (transforming growth factor beta 3; minus strand). Cytogenetic location: 14q24.3.
Variant type: single nucleotide variant.
Coding change: c.1135G>A on transcript NM_003239.5 (MANE Select); coding-DNA position 1135, G replaced by A.
Protein change: p.Val379Met; replaces valine 379 with methionine.
Molecular consequence: missense variant.
Genome position (GRCh38, 1-based): chr14:75,959,291, C>T on the plus strand (G>A on the coding strand, the complement: TGFB3 is on the minus strand). VCF-style: chr14-75959291-C-T. GRCh37 (hg19) VCF-style: chr14-76425634-C-T.
Other names: c.1135G>A, p.Val379Met (NM_001329939.2); c.1135G>A (NM_003239.4); short protein forms V379M.
Identifiers: ClinVar variation 1002073 (VCV001002073.11), dbSNP rs757031677, ClinGen allele CA7280257.